The following is an entry in ClinVar:

ClinVar aggregate classification (germline): Pathogenic (1 of 4 stars; one submission).

Conditions:
Developmental and epileptic encephalopathy, 9 (DEE9). Also called: Early infantile epileptic encephalopathy 9; JUBERG-HELLMAN SYNDROME; EPILEPSY, FEMALE-RESTRICTED, WITH MENTAL RETARDATION; PCDH19-Related X-Linked Female-Limited Epilepsy with Mental Retardation. Identifiers: Orphanet 101039, Orphanet 2076, MedGen C1848137, MONDO:0010246, OMIM 300088. Disease mechanism: loss of function.

Submission:

Labcorp Genetics (formerly Invitae), Labcorp
Classification: Pathogenic for Developmental and epileptic encephalopathy, 9. Last evaluated: 2023-06-16. Review status: criteria provided, single submitter. Criteria: Invitae Variant Classification Sherloc (09022015). Collection method: clinical testing. Allele origin: unknown.
Comment: This variant has not been reported in the literature in individuals affected with PCDH19-related conditions. For these reasons, this variant has been classified as Pathogenic. This variant is a gross deletion of the genomic region encompassing exon(s) 1-5 of the PCDH19 gene, which includes the initiator codon. This deletion extends beyond the assayed region for this gene and therefore may encompass additional genes. It is expected to result in an absent or disrupted protein product. Loss-of-function variants in PCDH19 are known to be pathogenic (PMID: 21053371).

Literature cited by the submitters: PubMed 21053371.

NC_000023.10:g.(?_99596881)_(99663595_?)del

Gene: PCDH19 (protocadherin 19; minus strand). Cytogenetic location: Xq22.1.
Variant type: Deletion.
Identifiers: ClinVar variation 3244893 (VCV003244893.1).